The following is an entry in ClinVar:

ClinVar aggregate classification (germline): Uncertain significance (1 of 4 stars; one submission).

Allele frequency attached by ClinVar (database versions not stated): TOPMed below 0.00001; gnomAD exomes 0.00001; gnomAD 0.00001; ExAC 0.00003.
gnomAD v4.1: 16 of 1,601,406 alleles (0.001%); highest among the groups gnomAD compares: East Asian, 0.0045%; no homozygotes.

Submission:

Labcorp Genetics (formerly Invitae), Labcorp
Classification: Uncertain significance. Last evaluated: 2025-11-03. Review status: criteria provided, single submitter. Criteria: Invitae Variant Classification Sherloc (09022015). Collection method: clinical testing. Allele origin: germline.
Comment: This sequence change falls in intron 16 of the RERE gene. It does not directly change the encoded amino acid sequence of the RERE protein. This variant is present in population databases (rs749107634, gnomAD 0.006%). This variant has not been reported in the literature in individuals affected with RERE-related conditions. ClinVar contains an entry for this variant (Variation ID: 2960117). Algorithms developed to predict the effect of sequence changes on RNA splicing suggest that this variant may create or strengthen a splice site. In summary, the available evidence is currently insufficient to determine the role of this variant in disease. Therefore, it has been classified as a Variant of Uncertain Significance.

NM_001042681.2(RERE):c.1741-15G>A

Gene: RERE (arginine-glutamic acid dipeptide repeats; minus strand). Cytogenetic location: 1p36.23.
Variant type: single nucleotide variant.
Coding change: c.1741-15G>A on transcript NM_001042681.2 (MANE Select); 15 bases into the intron before coding-DNA position 1741, G replaced by A.
Molecular consequence: intron variant.
Genome position (GRCh38, 1-based): chr1:8,362,859, C>T on the plus strand (G>A on the coding strand, the complement: RERE is on the minus strand). VCF-style: chr1-8362859-C-T. GRCh37 (hg19) VCF-style: chr1-8422919-C-T.
Other names: c.1741-15G>A (NM_012102.4); c.79-15G>A (NM_001042682.2).
Identifiers: ClinVar variation 2960117 (VCV002960117.3), dbSNP rs749107634, ClinGen allele CA571558.